The following is an entry in ClinVar:

ClinVar aggregate classification (germline): Uncertain significance (1 of 4 stars; one submission).

Allele frequency attached by ClinVar (database versions not stated): gnomAD exomes below 0.00001 and 0.00001; TOPMed below 0.00001.
gnomAD v4.1: 5 of 1,613,078 alleles (0.00031%); highest among the groups gnomAD compares: Non-Finnish European, 0.00042%; no homozygotes.

Submission:

Labcorp Genetics (formerly Invitae), Labcorp
Classification: Uncertain significance. Last evaluated: 2022-07-30. Review status: criteria provided, single submitter. Criteria: Invitae Variant Classification Sherloc (09022015). Collection method: clinical testing. Allele origin: germline.
Comment: The COL18A1 gene has multiple clinically relevant transcripts. This variant occurs in alternate transcript NM_030582.4, and corresponds to NM_130445.3:c.107-12351A>G in the primary transcript. This sequence change replaces isoleucine, which is neutral and non-polar, with valine, which is neutral and non-polar, at codon 121 of the COL18A1 protein (p.Ile121Val). This variant is present in population databases (no rsID available, gnomAD 0.0009%). This variant has not been reported in the literature in individuals affected with COL18A1-related conditions. ClinVar contains an entry for this variant (Variation ID: 1345224). Experimental studies and prediction algorithms are not available or were not evaluated, and the functional significance of this variant is currently unknown. In summary, the available evidence is currently insufficient to determine the role of this variant in disease. Therefore, it has been classified as a Variant of Uncertain Significance.

NM_001379500.1(COL18A1):c.107-12351A>G

Gene: COL18A1 (collagen type XVIII alpha 1 chain; plus strand). Cytogenetic location: 21q22.3.
Variant type: single nucleotide variant.
Coding change: c.107-12351A>G on transcript NM_001379500.1 (MANE Select); 12351 bases into the intron before coding-DNA position 107, A replaced by G.
Molecular consequence: intron variant. On other transcripts: missense variant (2).
Genome position (GRCh38, 1-based): chr21:45,455,891, A>G. VCF-style: chr21-45455891-A-G. GRCh37 (hg19) VCF-style: chr21-46875805-A-G.
Other names: c.361A>G, p.Ile121Val (NM_030582.4, NM_130444.3); short protein forms I121V.
Identifiers: ClinVar variation 1345224 (VCV001345224.3), dbSNP rs1233806011, ClinGen allele CA410505769.